The following is an entry in ClinVar:

ClinVar aggregate classification (germline): Uncertain significance (1 of 4 stars; one submission).

Submission:

Labcorp Genetics (formerly Invitae), Labcorp
Classification: Uncertain significance. Last evaluated: 2024-09-21. Review status: criteria provided, single submitter. Criteria: Invitae Variant Classification Sherloc (09022015). Collection method: clinical testing. Allele origin: germline.
Comment: This sequence change replaces tyrosine, which is neutral and polar, with histidine, which is basic and polar, at codon 1741 of the KDM3B protein (p.Tyr1741His). This variant is not present in population databases (gnomAD no frequency). This variant has not been reported in the literature in individuals affected with KDM3B-related conditions. Invitae Evidence Modeling of protein sequence and biophysical properties (such as structural, functional, and spatial information, amino acid conservation, physicochemical variation, residue mobility, and thermodynamic stability) indicates that this missense variant is expected to disrupt KDM3B protein function with a positive predictive value of 80%. In summary, the available evidence is currently insufficient to determine the role of this variant in disease. Therefore, it has been classified as a Variant of Uncertain Significance.

NM_016604.4(KDM3B):c.5221T>C (p.Tyr1741His)

Gene: KDM3B (lysine demethylase 3B; plus strand). Cytogenetic location: 5q31.2.
Variant type: single nucleotide variant.
Coding change: c.5221T>C on transcript NM_016604.4 (MANE Select); coding-DNA position 5221, T replaced by C.
Protein change: p.Tyr1741His; replaces tyrosine 1741 with histidine.
Molecular consequence: missense variant.
Genome position (GRCh38, 1-based): chr5:138,435,635, T>C. VCF-style: chr5-138435635-T-C. GRCh37 (hg19) VCF-style: chr5-137771324-T-C.
Other names: short protein forms Y1741H.
Identifiers: ClinVar variation 3720972 (VCV003720972.2).